The following is an entry in ClinVar:

ClinVar aggregate classification (germline): Likely benign. Review status: criteria provided, multiple submitters, no conflicts (2 of 4 stars). 4 submissions from 4 submitters: Likely benign (4). Last evaluated 2025-06-20.

Conditions:
Hereditary cancer-predisposing syndrome. Also called: Hereditary Cancer Syndrome; Neoplastic Syndromes, Hereditary; Tumor predisposition; Hereditary neoplastic syndrome. Identifiers: Orphanet 140162, MedGen C0027672, MeSH D009386, MONDO:0015356.
Familial cancer of breast. Also called: BREAST CANCER, FAMILIAL; Hereditary breast cancer; hereditary breast carcinoma. Identifiers: Orphanet 227535, MedGen C0346153, MONDO:0016419, OMIM 114480. Disease mechanism: loss of function.
Ataxia-telangiectasia syndrome (AT). Also called: Cerebello-oculocutaneous telangiectasia; Immunodeficiency with ataxia telangiectasia; Ataxia-telangiectasia, complementation group E; Ataxia-telangiectasia, complementation group D; AT, COMPLEMENTATION GROUP C; ATAXIA-TELANGIECTASIA, COMPLEMENTATION GROUP A. Identifiers: Orphanet 100, MedGen C0004135, MONDO:0008840, OMIM 208900.

Allele frequency attached by ClinVar (database versions not stated): gnomAD 0.00001.
gnomAD v4.1: 1 of 1,605,662 alleles (0.000062%); highest among the groups gnomAD compares: Non-Finnish European, 0.000085%; no homozygotes.

Submissions (4):

Labcorp Genetics (formerly Invitae), Labcorp
Classification: Likely benign for Ataxia-telangiectasia syndrome. Last evaluated: 2025-06-20. Review status: criteria provided, single submitter. Criteria: Invitae Variant Classification Sherloc (09022015). Collection method: clinical testing. Allele origin: germline.

Myriad Genetics, Inc.
Classification: Likely benign for Familial cancer of breast. Last evaluated: 2024-06-13. Review status: criteria provided, single submitter. Criteria: Myriad Autosomal Dominant, Autosomal Recessive and X-Linked Classification Criteria (2023). Collection method: clinical testing. Allele origin: unknown.
Comment: This variant is considered likely benign. This variant is intronic and is not expected to impact mRNA splicing.

Color Diagnostics, LLC DBA Color Health
Classification: Likely benign for Hereditary cancer-predisposing syndrome. Last evaluated: 2017-09-22. Review status: criteria provided, single submitter. Criteria: ACMG Guidelines, 2015. Collection method: clinical testing. Allele origin: germline.

GeneDx
Classification: Likely benign. Last evaluated: 2017-08-21. Review status: criteria provided, single submitter. Criteria: GeneDx Variant Classification (06012015). Collection method: clinical testing. Allele origin: germline. Affected: yes.
Comment: This variant is considered likely benign or benign based on one or more of the following criteria: it is a conservative change, it occurs at a poorly conserved position in the protein, it is predicted to be benign by multiple in silico algorithms, and/or has population frequency not consistent with disease.

NM_000051.4(ATM):c.7090-14G>T

Genes: C11orf65 (chromosome 11 open reading frame 65; minus strand), ATM (ATM serine/threonine kinase; plus strand). Cytogenetic location: 11q22.3.
Variant type: single nucleotide variant.
Coding change: c.7090-14G>T on transcript NM_000051.4 (MANE Select); 14 bases into the intron before coding-DNA position 7090, G replaced by T.
Molecular consequence: intron variant.
Genome position (GRCh38, 1-based): chr11:108,329,007, G>T. VCF-style: chr11-108329007-G-T. GRCh37 (hg19) VCF-style: chr11-108199734-G-T.
Other names: c.7090-14G>T (NM_001351834.2); c.641-19936C>A (NM_001330368.2); c.*38+6213C>A (NM_001351110.2).
Identifiers: ClinVar variation 516998 (VCV000516998.11), dbSNP rs1486032156, ClinGen allele CA602132799.
Genomic context (GRCh38, chr11:108,329,007, plus strand): 5'-CCTTAATTTGAGTGATTCTTTAGATGTATTTAGTATTTGTAAATATAATTTAAATTGGTT[G>T]TGTTTTCTTGAAGGCAGTAGAAGTTGCTGGAAATTATGATGGAGAAAGTAGTGATGAGCT-3'